The following is an entry in ClinVar:

ClinVar aggregate classification (germline): Pathogenic (1 of 4 stars; one submission).

Conditions:
Hereditary cancer-predisposing syndrome. Also called: Neoplastic Syndromes, Hereditary; Tumor predisposition; Hereditary neoplastic syndrome; Hereditary Cancer Syndrome. Identifiers: Orphanet 140162, MedGen C0027672, MeSH D009386, MONDO:0015356.

Submission:

Ambry Genetics
Classification: Pathogenic for Hereditary cancer-predisposing syndrome. Last evaluated: 2026-06-15. Review status: criteria provided, single submitter. Criteria: Ambry Variant Classification Scheme 2023. Collection method: clinical testing. Allele origin: germline.
Comment: The p.S180* pathogenic mutation (also known as c.539C>A), located in coding exon 5 of the RB1 gene, results from a C to A substitution at nucleotide position 539. This changes the amino acid from a serine to a stop codon within coding exon 5. This variant was reported in individual(s) with features consistent with RB1-related retinoblastoma (Sagi M et al. Fam Cancer, 2015 Sep;14:471-80). This variant is considered to be rare based on population cohorts in the Genome Aggregation Database (gnomAD). This alteration is expected to result in loss of function by premature protein truncation or nonsense-mediated mRNA decay. As such, this alteration is interpreted as a disease-causing mutation.

Literature cited by the submitters: PubMed 25754945.

NM_000321.3(RB1):c.539C>A (p.Ser180Ter)

Gene: RB1 (RB transcriptional corepressor 1; plus strand). Cytogenetic location: 13q14.2.
Variant type: single nucleotide variant.
Coding change: c.539C>A on transcript NM_000321.3 (MANE Select); coding-DNA position 539, C replaced by A.
Protein change: p.Ser180Ter; replaces serine 180 with a stop codon.
Molecular consequence: nonsense.
Genome position (GRCh38, 1-based): chr13:48,347,863, C>A. VCF-style: chr13-48347863-C-A. GRCh37 (hg19) VCF-style: chr13-48921999-C-A.
Other names: c.539C>A, p.Ser180Ter (NM_001407165.1, NM_001407166.1); short protein forms S180*.
Identifiers: ClinVar variation 5027905 (VCV005027905.1).